The following is an entry in ClinVar:

NM_005529.7(HSPG2):c.2339G>A (p.Cys780Tyr)

Gene: HSPG2 (heparan sulfate proteoglycan 2; minus strand). Cytogenetic location: 1p36.12.
Variant type: single nucleotide variant.
Coding change: c.2339G>A on transcript NM_005529.7 (MANE Select); coding-DNA position 2339, G replaced by A.
Protein change: p.Cys780Tyr; replaces cysteine 780 with tyrosine.
Molecular consequence: missense variant.
Genome position (GRCh38, 1-based): chr1:21,880,111, C>T on the plus strand (G>A on the coding strand, the complement: HSPG2 is on the minus strand). VCF-style: chr1-21880111-C-T. GRCh37 (hg19) VCF-style: chr1-22206604-C-T.
Other names: c.2342G>A, p.Cys781Tyr (NM_001291860.2); short protein forms C780Y, C781Y.
Identifiers: ClinVar variation 2684221 (VCV002684221.1), dbSNP rs2550778550, ClinGen allele CA338965087.

ClinVar aggregate classification (germline): Uncertain significance (1 of 4 stars; one submission).

Submission:

Athena Diagnostics
Classification: Uncertain significance. Last evaluated: 2023-03-01. Review status: criteria provided, single submitter. Criteria: Athena Diagnostics Criteria. Collection method: clinical testing. Allele origin: unknown.
Comment: Available data are insufficient to determine the clinical significance of the variant at this time. This variant has not been reported in large, multi-ethnic general populations. Computational tools predict that this variant is damaging.